The following is an entry in ClinVar:

NM_015557.3(CHD5):c.2481G>A (p.Glu827=)

Gene: CHD5 (chromodomain helicase DNA binding protein 5; minus strand). Cytogenetic location: 1p36.31.
Variant type: single nucleotide variant.
Coding change: c.2481G>A on transcript NM_015557.3 (MANE Select); coding-DNA position 2481, G replaced by A.
Protein change: p.Glu827=; no amino-acid change (glutamic acid 827 retained).
Molecular consequence: synonymous variant.
Genome position (GRCh38, 1-based): chr1:6,136,821, C>T on the plus strand (G>A on the coding strand, the complement: CHD5 is on the minus strand). VCF-style: chr1-6136821-C-T. GRCh37 (hg19) VCF-style: chr1-6196881-C-T.
Identifiers: ClinVar variation 3239203 (VCV003239203.19), dbSNP rs150696430.

ClinVar aggregate classification (germline): Likely benign (1 of 4 stars; one submission).

Allele frequency attached by ClinVar (database versions not stated): gnomAD 0.00001; TOPMed 0.00001; gnomAD exomes 0.00002; ExAC 0.00004; ESP Exome Variant Server 0.00008.
gnomAD v4.1: 34 of 1,613,370 alleles (0.0021%); highest among the groups gnomAD compares: Middle Eastern, 0.016%; no homozygotes.

Submission:

CeGaT Center for Human Genetics Tuebingen
Classification: Likely benign. Last evaluated: 2024-05-01. Review status: criteria provided, single submitter. Criteria: CeGaT Center For Human Genetics Tuebingen Variant Classification Criteria Version 2. Collection method: clinical testing. Allele origin: germline. Affected: yes. Observed: 1 variant allele.
Comment: CHD5: BP4, BP7